The following is an entry in ClinVar:

NM_000168.6(GLI3):c.1930G>A (p.Gly644Arg)

Gene: GLI3 (GLI family zinc finger 3; minus strand). Cytogenetic location: 7p14.1.
Variant type: single nucleotide variant.
Coding change: c.1930G>A on transcript NM_000168.6 (MANE Select); coding-DNA position 1930, G replaced by A.
Protein change: p.Gly644Arg; replaces glycine 644 with arginine.
Molecular consequence: missense variant.
Genome position (GRCh38, 1-based): chr7:41,972,510, C>T on the plus strand (G>A on the coding strand, the complement: GLI3 is on the minus strand). VCF-style: chr7-41972510-C-T. GRCh37 (hg19) VCF-style: chr7-42012109-C-T.
Other names: short protein forms G644R.
Identifiers: ClinVar variation 653375 (VCV000653375.8), dbSNP rs917006091, ClinGen allele CA367322406.

ClinVar aggregate classification (germline): Uncertain significance (1 of 4 stars; one submission).

Conditions:
Pallister-Hall syndrome (PHS). Also called: HYPOTHALAMIC HAMARTOBLASTOMA, HYPOPITUITARISM, IMPERFORATE ANUS, AND POSTAXIAL POLYDACTYLY; GLI3-Related Pallister-Hall Syndrome. Identifiers: Orphanet 672, MedGen C0265220, MONDO:0007804, OMIM 146510.
Greig cephalopolysyndactyly syndrome (GCPS). Also called: GLI3-Related Greig Cephalopolysyndactyly Syndrome; POLYSYNDACTYLY WITH PECULIAR SKULL SHAPE; Greig syndrome. Identifiers: Orphanet 380, MedGen C0265306, MONDO:0008287, OMIM 175700.

Allele frequency attached by ClinVar (database versions not stated): gnomAD exomes below 0.00001.
gnomAD v4.1: 2 of 1,613,384 alleles (0.00012%); highest among the groups gnomAD compares: Non-Finnish European, 0.00017%; no homozygotes.

Submission:

Labcorp Genetics (formerly Invitae), Labcorp
Classification: Uncertain significance for Pallister-Hall syndrome; Greig cephalopolysyndactyly syndrome. Last evaluated: 2018-12-19. Review status: criteria provided, single submitter. Criteria: Invitae Variant Classification Sherloc (09022015). Collection method: clinical testing. Allele origin: germline.
Comment: This variant has not been reported in the literature in individuals with GLI3-related conditions. This variant is not present in population databases (ExAC no frequency). This sequence change replaces glycine with arginine at codon 644 of the GLI3 protein (p.Gly644Arg). The glycine residue is highly conserved and there is a moderate physicochemical difference between glycine and arginine. Algorithms developed to predict the effect of missense changes on protein structure and function (SIFT, PolyPhen-2, Align-GVGD) all suggest that this variant is likely to be disruptive, but these predictions have not been confirmed by published functional studies and their clinical significance is uncertain. In summary, the available evidence is currently insufficient to determine the role of this variant in disease. Therefore, it has been classified as a Variant of Uncertain Significance.